The following is an entry in ClinVar:

NM_005562.3(LAMC2):c.196G>A (p.Glu66Lys)

Gene: LAMC2 (laminin subunit gamma 2; plus strand). Cytogenetic location: 1q25.3.
Variant type: single nucleotide variant.
Coding change: c.196G>A on transcript NM_005562.3 (MANE Select); coding-DNA position 196, G replaced by A.
Protein change: p.Glu66Lys; replaces glutamic acid 66 with lysine.
Molecular consequence: missense variant.
Genome position (GRCh38, 1-based): chr1:183,207,997, G>A. VCF-style: chr1-183207997-G-A. GRCh37 (hg19) VCF-style: chr1-183177132-G-A.
Other names: c.196G>A, p.Glu66Lys (NM_018891.3); short protein forms E66K.
Identifiers: ClinVar variation 195246 (VCV000195246.25), dbSNP rs146325169, ClinGen allele CA241587.

ClinVar aggregate classification (germline): Conflicting classifications of pathogenicity. Review status: criteria provided, conflicting classifications (1 of 4 stars). 7 submissions from 7 submitters: Uncertain significance (3); Benign (1); Likely benign (3). Last evaluated 2026-02-02.

Conditions:
LAMC2-related disorder. Also called: LAMC2-related condition.
Junctional epidermolysis bullosa. Identifiers: Orphanet 305, MedGen C0079301, MONDO:0017612.
Junctional epidermolysis bullosa, non-Herlitz type. Also called: COL17A1-Related Junctional Epidermolysis Bullosa; Adult junctional epidermolysis bullosa; Epidermolysis bullosa, junctional, non-herlitz type, somatic mosaic revertant; EPIDERMOLYSIS BULLOSA JUNCTIONALIS, DISENTIS TYPE; EPIDERMOLYSIS BULLOSA JUNCTIONALIS, NON-HERLITZ TYPE; EPIDERMOLYSIS BULLOSA JUNCTIONALIS, PROGRESSIVE. Identifiers: Orphanet 251393, Orphanet 79402, Orphanet 79405, Orphanet 89840, MedGen C0268374, MONDO:0009180, OMIM 226650.

Allele frequency attached by ClinVar (database versions not stated): gnomAD 0.00114 and 0.00119; ESP Exome Variant Server 0.00123; TOPMed 0.00125; ExAC 0.00133; gnomAD exomes 0.00147 and 0.00157; 1000 Genomes Project 0.00040; 1000 Genomes Project 30x 0.00047.
gnomAD v4.1: 2,453 of 1,614,096 alleles (0.15%); highest among the groups gnomAD compares: Middle Eastern, 0.35%; 2 homozygotes.

Submissions (7):

Labcorp Genetics (formerly Invitae), Labcorp
Classification: Likely benign. Last evaluated: 2026-02-02. Review status: criteria provided, single submitter. Criteria: Invitae Variant Classification Sherloc (09022015). Collection method: clinical testing. Allele origin: germline.

PreventionGenetics, part of Exact Sciences
Classification: Likely benign for LAMC2-related condition. Last evaluated: 2025-01-21. Review status: criteria provided, single submitter. Criteria: ACMG Guidelines, 2015. Collection method: clinical testing. Allele origin: germline.
Comment: This variant is classified as likely benign based on ACMG/AMP sequence variant interpretation guidelines (Richards et al. 2015 PMID: 25741868, with internal and published modifications).

Blueprint Genetics
Classification: Likely benign. Last evaluated: 2024-11-26. Review status: criteria provided, single submitter. Criteria: ACMG Guidelines, 2015. Collection method: clinical testing. Allele origin: germline.

GeneDx
Classification: Uncertain significance. Last evaluated: 2023-04-03. Review status: criteria provided, single submitter. Criteria: GeneDx Variant Classification Process June 2021. Collection method: clinical testing. Allele origin: germline. Affected: yes.
Comment: Has not been previously published as pathogenic or benign to our knowledge; In silico analysis supports that this missense variant has a deleterious effect on protein structure/function

Dubai Health Genomic Medicine Center, Dubai Health
Classification: Benign for Junctional epidermolysis bullosa, non-Herlitz type. Last evaluated: 2021-01-24. Review status: criteria provided, single submitter. Criteria: ACMG Guidelines, 2015. Collection method: clinical testing. Allele origin: germline. Affected: yes.

Illumina Laboratory Services, Illumina
Classification: Uncertain significance for Junctional epidermolysis bullosa. Last evaluated: 2018-01-12. Review status: criteria provided, single submitter. Criteria: ICSL Variant Classification Criteria 13 December 2019. Collection method: clinical testing. Allele origin: germline.

Eurofins Ntd Llc (ga)
Classification: Uncertain significance. Last evaluated: 2015-04-15. Review status: criteria provided, single submitter. Criteria: EGL Classification Definitions 2015. Collection method: clinical testing. Allele origin: germline. Observed: 2 variant alleles, 2 heterozygotes.